The following is an entry in ClinVar:

NC_000020.10:g.(?_35521335)_(35540975_?)dup

Genes: TLDC2 (TBC/LysM-associated domain containing 2; plus strand), SAMHD1 (SAM and HD domain containing deoxynucleoside triphosphate triphosphohydrolase 1; minus strand). Cytogenetic location: 20q11.23.
Variant type: Duplication.
Identifiers: ClinVar variation 2426168 (VCV002426168.3).

ClinVar aggregate classification (germline): Uncertain significance (1 of 4 stars; one submission).

Conditions:
Aicardi-Goutieres syndrome 5. Identifiers: Orphanet 51, MedGen C2749659, MONDO:0013059, OMIM 612952.

Submission:

Labcorp Genetics (formerly Invitae), Labcorp
Classification: Uncertain significance for Aicardi-Goutieres syndrome 5. Last evaluated: 2022-09-27. Review status: criteria provided, single submitter. Criteria: Invitae Variant Classification Sherloc (09022015). Collection method: clinical testing. Allele origin: germline.
Comment: This variant results in a copy number gain of the genomic region encompassing exon(s) 10-16 of the SAMHD1 gene. This region includes the termination codon of the gene. This copy number gain extends beyond the assayed region for this gene and therefore may encompass additional genes. As the precise location of this event is unknown, it may be in tandem or it may be located elsewhere in the genome. This variant has not been reported in the literature in individuals affected with SAMHD1-related conditions. Experimental studies and prediction algorithms are not available or were not evaluated, and the functional significance of this variant is currently unknown. In summary, the available evidence is currently insufficient to determine the role of this variant in disease. Therefore, it has been classified as a Variant of Uncertain Significance.